The following is an entry in ClinVar:

ClinVar aggregate classification (germline): Uncertain significance (1 of 4 stars; one submission).

Conditions:
ALG1-congenital disorder of glycosylation. Also called: CDG Ik; CONGENITAL DISORDER OF GLYCOSYLATION, TYPE Ik; ALG1-CDG. Identifiers: Orphanet 79327, MedGen C2931005, MONDO:0012052, OMIM 608540.

Allele frequency attached by ClinVar (database versions not stated): gnomAD exomes 0.00001; ExAC 0.00002.
gnomAD v4.1: 3 of 1,600,310 alleles (0.00019%); highest among the groups gnomAD compares: Non-Finnish European, 0.00017%; no homozygotes.

Submission:

Labcorp Genetics (formerly Invitae), Labcorp
Classification: Uncertain significance for ALG1-congenital disorder of glycosylation. Last evaluated: 2022-01-13. Review status: criteria provided, single submitter. Criteria: Invitae Variant Classification Sherloc (09022015). Collection method: clinical testing. Allele origin: germline.
Comment: This sequence change replaces leucine, which is neutral and non-polar, with proline, which is neutral and non-polar, at codon 18 of the ALG1 protein (p.Leu18Pro). This variant is present in population databases (rs769359408, gnomAD 0.005%). This variant has not been reported in the literature in individuals affected with ALG1-related conditions. Advanced modeling of protein sequence and biophysical properties (such as structural, functional, and spatial information, amino acid conservation, physicochemical variation, residue mobility, and thermodynamic stability) performed at Invitae indicates that this missense variant is expected to disrupt ALG1 protein function. In summary, the available evidence is currently insufficient to determine the role of this variant in disease. Therefore, it has been classified as a Variant of Uncertain Significance.

NM_019109.5(ALG1):c.53T>C (p.Leu18Pro)

Genes: ALG1 (ALG1 chitobiosyldiphosphodolichol beta-mannosyltransferase; plus strand), LOC130058383 (ATAC-STARR-seq lymphoblastoid active region 10348; plus strand). Cytogenetic location: 16p13.3.
Variant type: single nucleotide variant.
Coding change: c.53T>C on transcript NM_019109.5 (MANE Select); coding-DNA position 53, T replaced by C.
Protein change: p.Leu18Pro; replaces leucine 18 with proline.
Molecular consequence: missense variant.
Genome position (GRCh38, 1-based): chr16:5,071,902, T>C. VCF-style: chr16-5071902-T-C. GRCh37 (hg19) VCF-style: chr16-5121903-T-C.
Other names: short protein forms L18P.
Identifiers: ClinVar variation 1930741 (VCV001930741.2), dbSNP rs769359408, ClinGen allele CA7889657.